The following is an entry in ClinVar:

ClinVar aggregate classification (germline): Benign. Review status: criteria provided, multiple submitters, no conflicts (2 of 4 stars). 2 submissions from 2 submitters: Benign (2). Last evaluated 2018-06-16.

Allele frequency attached by ClinVar (database versions not stated): gnomAD 0.75843 and 0.76131; TOPMed 0.76544; 1000 Genomes Project 30x 0.80575; 1000 Genomes Project 0.81190.
gnomAD v4.1: 964,824 of 1,338,124 alleles (72%); highest among the groups gnomAD compares: East Asian, 94%; 350,818 homozygotes.

Submissions (2):

GeneDx
Classification: Benign. Last evaluated: 2018-06-16. Review status: criteria provided, single submitter. Criteria: GeneDx Variant Classification (06012015). Collection method: clinical testing. Allele origin: germline. Affected: yes.
Comment: This variant is considered likely benign or benign based on one or more of the following criteria: it is a conservative change, it occurs at a poorly conserved position in the protein, it is predicted to be benign by multiple in silico algorithms, and/or has population frequency not consistent with disease.

Breakthrough Genomics
Classification: Benign. Review status: criteria provided, single submitter. Criteria: ACMG Guidelines, 2015. Collection method: not provided. Allele origin: germline. Inheritance: Autosomal recessive inheritance. Affected: yes.

NM_173660.5(DOK7):c.533-115A>G

Genes: DOK7 (docking protein 7; plus strand), LOC126806951 (CDK7 strongly-dependent group 2 enhancer GRCh37_chr4:3486115-3487314; plus strand). Cytogenetic location: 4p16.3.
Variant type: single nucleotide variant.
Coding change: c.533-115A>G on transcript NM_173660.5 (MANE Select); 115 bases into the intron before coding-DNA position 533, A replaced by G.
Molecular consequence: intron variant.
Genome position (GRCh38, 1-based): chr4:3,485,424, A>G. VCF-style: chr4-3485424-A-G. GRCh37 (hg19) VCF-style: chr4-3487151-A-G.
Other names: c.533-115A>G (NM_001301071.2); c.101-115A>G (NM_001363811.2); c.522-115A>G (NM_001164673.2); c.-398-115A>G (NM_001256896.2).
Identifiers: ClinVar variation 679327 (VCV000679327.2), dbSNP rs916189, ClinGen allele CA11632937.
Genomic context (GRCh38, chr4:3,485,424, plus strand): 5'-CCGGATTCACGGGGCCAGGCGGGGTGTCGGCTCTGGGCATCTGACTTCGTGGGGCCAGGC[A>G]GGGTGTCATTGTCGGCTCTTGGTGGAGTTTGCTGCGGTTTCCTGTGTTCCTCCTCTTCAG-3'